The following is an entry in ClinVar:

NM_004727.3(SLC24A1):c.1153G>T (p.Ala385Ser)

Gene: SLC24A1 (solute carrier family 24 member 1; plus strand). Cytogenetic location: 15q22.31.
Variant type: single nucleotide variant.
Coding change: c.1153G>T on transcript NM_004727.3 (MANE Select); coding-DNA position 1153, G replaced by T.
Protein change: p.Ala385Ser; replaces alanine 385 with serine.
Molecular consequence: missense variant.
Genome position (GRCh38, 1-based): chr15:65,625,233, G>T. VCF-style: chr15-65625233-G-T. GRCh37 (hg19) VCF-style: chr15-65917571-G-T.
Other names: c.1153G>T, p.Ala385Ser (NM_001301031.1, NM_001301032.1, NM_001301033.2); short protein forms A385S.
Identifiers: ClinVar variation 1465358 (VCV001465358.8), dbSNP rs1260038765, ClinGen allele CA392916865.

ClinVar aggregate classification (germline): Uncertain significance (1 of 4 stars; one submission).

Allele frequency attached by ClinVar (database versions not stated): gnomAD exomes below 0.00001; TOPMed below 0.00001.
gnomAD v4.1: 1 of 1,613,876 alleles (0.000062%); highest among the groups gnomAD compares: Admixed American, 0.0017%; no homozygotes.

Submission:

Labcorp Genetics (formerly Invitae), Labcorp
Classification: Uncertain significance. Last evaluated: 2020-11-14. Review status: criteria provided, single submitter. Criteria: Invitae Variant Classification Sherloc (09022015). Collection method: clinical testing. Allele origin: germline.
Comment: This sequence change replaces alanine with serine at codon 385 of the SLC24A1 protein (p.Ala385Ser). The alanine residue is weakly conserved and there is a moderate physicochemical difference between alanine and serine. This variant is not present in population databases (ExAC no frequency). This variant has not been reported in the literature in individuals with SLC24A1-related conditions. Algorithms developed to predict the effect of missense changes on protein structure and function are either unavailable or do not agree on the potential impact of this missense change (SIFT: "Tolerated"; PolyPhen-2: "Possibly Damaging"; Align-GVGD: "Class C0"). Algorithms developed to predict the effect of sequence changes on RNA splicing suggest that this variant may create or strengthen a splice site, but this prediction has not been confirmed by published transcriptional studies. In summary, the available evidence is currently insufficient to determine the role of this variant in disease. Therefore, it has been classified as a Variant of Uncertain Significance.